The following is an entry in ClinVar:

NM_001378457.1(DMXL2):c.8794C>A (p.Pro2932Thr)

Genes: DMXL2 (Dmx like 2; minus strand), LOC126862131 (MED14-independent group 3 enhancer GRCh37_chr15:51741640-51742839; plus strand). Cytogenetic location: 15q21.2.
Variant type: single nucleotide variant.
Coding change: c.8794C>A on transcript NM_001378457.1 (MANE Select); coding-DNA position 8794, C replaced by A.
Protein change: p.Pro2932Thr; replaces proline 2932 with threonine.
Molecular consequence: missense variant. On other transcripts: non-coding transcript variant (2).
Genome position (GRCh38, 1-based): chr15:51,450,302, G>T on the plus strand (C>A on the coding strand, the complement: DMXL2 is on the minus strand). VCF-style: chr15-51450302-G-T. GRCh37 (hg19) VCF-style: chr15-51742499-G-T.
Other names: c.8731C>A, p.Pro2911Thr (NM_001174116.3); c.6820C>A, p.Pro2274Thr (NM_001174117.3); c.8791C>A, p.Pro2931Thr (NM_001378458.1); c.8506C>A, p.Pro2836Thr (NM_001378459.1); c.6709C>A, p.Pro2237Thr (NM_001378460.1); c.8728C>A, p.Pro2910Thr (NM_015263.5); short protein forms P2910T, P2931T, P2274T, P2911T, P2932T, P2237T, P2836T.
Identifiers: ClinVar variation 1033359 (VCV001033359.1), dbSNP rs2039022160, ClinGen allele CA392429962.

ClinVar aggregate classification (germline): Uncertain significance (1 of 4 stars; one submission).

Conditions:
Polyendocrine-polyneuropathy syndrome (PEPNS). Identifiers: Orphanet 453533, MedGen C4015261, MONDO:0014497, OMIM 616113.

Allele frequency attached by ClinVar (database versions not stated): gnomAD exomes below 0.00001.
gnomAD v4.1: 1 of 1,613,930 alleles (0.000062%); highest among the groups gnomAD compares: Non-Finnish European, 0.000085%; no homozygotes.

Submission:

Baylor Genetics
Classification: Uncertain significance for Polyendocrine-polyneuropathy syndrome. Last evaluated: 2018-07-30. Review status: criteria provided, single submitter. Criteria: ACMG Guidelines, 2015. Collection method: clinical testing. Allele origin: maternal. Affected: yes.
Comment: This variant was determined to be of uncertain significance according to ACMG Guidelines, 2015 [PMID:25741868].